The following is an entry in ClinVar:

NM_000256.3(MYBPC3):c.3574G>C (p.Val1192Leu)

Gene: MYBPC3 (myosin binding protein C3; minus strand). Cytogenetic location: 11p11.2.
Variant type: single nucleotide variant.
Coding change: c.3574G>C on transcript NM_000256.3 (MANE Select); coding-DNA position 3574, G replaced by C.
Protein change: p.Val1192Leu; replaces valine 1192 with leucine.
Molecular consequence: missense variant.
Genome position (GRCh38, 1-based): chr11:47,332,619, C>G on the plus strand (G>C on the coding strand, the complement: MYBPC3 is on the minus strand). VCF-style: chr11-47332619-C-G. GRCh37 (hg19) VCF-style: chr11-47354170-C-G.
Other names: short protein forms V1192L.
Identifiers: ClinVar variation 3074948 (VCV003074948.1), dbSNP rs1595841054, ClinGen allele CA380312504.

ClinVar aggregate classification (germline): Uncertain significance (1 of 4 stars; one submission).

Conditions:
Hypertrophic cardiomyopathy. Also called: HYPERTROPHIC MYOCARDIOPATHY. Identifiers: Orphanet 217569, MedGen C0007194, MeSH D002312, MONDO:0005045, HP:0001639.

gnomAD v4.1: 1 of 1,613,930 alleles (0.000062%); highest among the groups gnomAD compares: Non-Finnish European, 0.000085%; no homozygotes.

Submission:

All of Us Research Program, National Institutes of Health
Classification: Uncertain significance for Hypertrophic cardiomyopathy. Last evaluated: 2024-01-11. Review status: criteria provided, single submitter. Criteria: ACMG Guidelines, 2015. Collection method: clinical testing. Allele origin: germline. Inheritance: Autosomal dominant inheritance. Observed: 1 variant allele, 1 heterozygote.
Comment: This study involves interpretation of variants in research participants for the purpose of population health screening. Participant phenotype was not available at the time of variant classification. Additional details can be found in publication PMID: 35346344, PMCID: PMC8962531